The following is an entry in ClinVar:

ClinVar aggregate classification (germline): Uncertain significance (1 of 4 stars; one submission).

Conditions:
Hypertrophic cardiomyopathy 14. Identifiers: MedGen C2750467, MONDO:0013197, OMIM 613251.

Submission:

Labcorp Genetics (formerly Invitae), Labcorp
Classification: Uncertain significance for Hypertrophic cardiomyopathy 14. Last evaluated: 2023-02-18. Review status: criteria provided, single submitter. Criteria: Invitae Variant Classification Sherloc (09022015). Collection method: clinical testing. Allele origin: germline.
Comment: In summary, the available evidence is currently insufficient to determine the role of this variant in disease. Therefore, it has been classified as a Variant of Uncertain Significance. Advanced modeling of protein sequence and biophysical properties (such as structural, functional, and spatial information, amino acid conservation, physicochemical variation, residue mobility, and thermodynamic stability) has been performed at Invitae for this missense variant, however the output from this modeling did not meet the statistical confidence thresholds required to predict the impact of this variant on MYH6 protein function. This variant has not been reported in the literature in individuals affected with MYH6-related conditions. This variant is not present in population databases (gnomAD no frequency). This sequence change replaces isoleucine, which is neutral and non-polar, with methionine, which is neutral and non-polar, at codon 787 of the MYH6 protein (p.Ile787Met).

NM_002471.4(MYH6):c.2361C>G (p.Ile787Met)

Gene: MYH6 (myosin heavy chain 6; minus strand). Cytogenetic location: 14q11.2.
Variant type: single nucleotide variant.
Coding change: c.2361C>G on transcript NM_002471.4 (MANE Select); coding-DNA position 2361, C replaced by G.
Protein change: p.Ile787Met; replaces isoleucine 787 with methionine.
Molecular consequence: missense variant.
Genome position (GRCh38, 1-based): chr14:23,396,352, G>C on the plus strand (C>G on the coding strand, the complement: MYH6 is on the minus strand). VCF-style: chr14-23396352-G-C. GRCh37 (hg19) VCF-style: chr14-23865561-G-C.
Other names: short protein forms I787M.
Identifiers: ClinVar variation 2785124 (VCV002785124.3), dbSNP rs1891394279, ClinGen allele CA389016273.